The following is an entry in ClinVar:

ClinVar aggregate classification (germline): Likely benign. Review status: criteria provided, single submitter (1 of 4 stars). 2 submissions from 2 submitters: Likely benign (1). 1 of the submissions does not count toward it. Last evaluated 2025-09-05.

Conditions:
FGFR2-related craniosynostosis. Identifiers: MedGen CN231480.
FGFR2-related disorder. Identifiers: MedGen CN380096.

Allele frequency attached by ClinVar (database versions not stated): TOPMed 0.00003; ExAC 0.00004; gnomAD exomes 0.00004; gnomAD 0.00002.
gnomAD v4.1: 59 of 1,614,008 alleles (0.0037%); highest among the groups gnomAD compares: Non-Finnish European, 0.0048%; no homozygotes.

Submissions (2):

Labcorp Genetics (formerly Invitae), Labcorp
Classification: Likely benign for FGFR2-related craniosynostosis. Last evaluated: 2025-09-05. Review status: criteria provided, single submitter. Criteria: Invitae Variant Classification Sherloc (09022015). Collection method: clinical testing. Allele origin: germline.

PreventionGenetics, part of Exact Sciences
Classification: Likely benign for FGFR2-related condition. Last evaluated: 2020-07-20. Review status: no assertion criteria provided. Collection method: clinical testing. Allele origin: germline. Not counted in ClinVar's aggregate classification.
Comment: This variant is classified as likely benign based on ACMG/AMP sequence variant interpretation guidelines (Richards et al. 2015 PMID: 25741868, with internal and published modifications).

NM_000141.5(FGFR2):c.940-4C>G

Gene: FGFR2 (fibroblast growth factor receptor 2; minus strand). Cytogenetic location: 10q26.13.
Variant type: single nucleotide variant.
Coding change: c.940-4C>G on transcript NM_000141.5 (MANE Select); 4 bases into the intron before coding-DNA position 940, C replaced by G.
Molecular consequence: intron variant.
Genome position (GRCh38, 1-based): chr10:121,517,467, G>C on the plus strand (C>G on the coding strand, the complement: FGFR2 is on the minus strand). VCF-style: chr10-121517467-G-C. GRCh37 (hg19) VCF-style: chr10-123276981-G-C.
Other names: c.749-2148C>G (NM_001144914.1); c.595-4C>G (NM_001144918.2, NM_001441091.1, NM_001441090.1 and 1 more transcripts); c.673-4C>G (NM_001441089.1, NM_023029.3, NM_001144915.2); c.820+1215C>G (NM_001441088.1, NM_001144919.2); c.939+2512C>G (NM_001144917.2); c.940-4C>G (NM_001320658.2); c.1087+1215C>G (NM_001441087.1, NM_022970.4, NM_001144913.1); c.256-4C>G (NM_001320654.2).
Identifiers: ClinVar variation 1961223 (VCV001961223.7), dbSNP rs527592748, ClinGen allele CA5720888.